The following is an entry in ClinVar:

ClinVar aggregate classification (germline): Likely pathogenic. Review status: criteria provided, multiple submitters, no conflicts (2 of 4 stars). 2 submissions from 2 submitters: Likely pathogenic (2). Last evaluated 2024-05-13.

Conditions:
Dilated cardiomyopathy 1G (CMD1G). Identifiers: Orphanet 154, MedGen C1858763, MONDO:0011400, OMIM 604145.
Autosomal recessive limb-girdle muscular dystrophy type 2J (LGMDR10). Also called: Limb-girdle muscular dystrophy, type 2J; MUSCULAR DYSTROPHY, LIMB-GIRDLE, AUTOSOMAL RECESSIVE 10. Identifiers: Orphanet 140922, MedGen C1837342, MONDO:0012127, OMIM 608807.

Submissions (2):

Labcorp Genetics (formerly Invitae), Labcorp
Classification: Likely pathogenic for Dilated cardiomyopathy 1G; Autosomal recessive limb-girdle muscular dystrophy type 2J. Last evaluated: 2024-05-13. Review status: criteria provided, single submitter. Criteria: Invitae Variant Classification Sherloc (09022015). Collection method: clinical testing. Allele origin: germline.
Comment: This sequence change affects a donor splice site in intron 270 of the TTN gene. It is expected to disrupt RNA splicing and likely results in a truncated or disrupted TTN protein. This variant is not present in population databases (gnomAD no frequency). This variant has not been reported in the literature in individuals affected with TTN-related conditions. Algorithms developed to predict the effect of sequence changes on RNA splicing suggest that this variant may disrupt the consensus splice site. This variant is located in the A band of TTN (PMID: 25589632). Truncating variants in this region are significantly overrepresented in patients affected with dilated cardiomyopathy (PMID: 25589632). Truncating variants in this region have also been reported in individuals affected with autosomal recessive centronuclear myopathy (PMID: 23975875). In summary, the currently available evidence indicates that the variant is pathogenic, but additional data are needed to prove that conclusively. Therefore, this variant has been classified as Likely Pathogenic.

Revvity Omics, Revvity
Classification: Likely pathogenic. Last evaluated: 2024-05-10. Review status: criteria provided, single submitter. Criteria: ACMG Guidelines, 2015. Collection method: clinical testing. Allele origin: germline.

Literature cited by the submitters: PubMed 25589632 (cited by Labcorp Genetics (formerly Invitae), Labcorp); PubMed 23975875 (cited by Labcorp Genetics (formerly Invitae), Labcorp).

NM_001267550.2(TTN):c.51136+1G>A

Genes: TTN-AS1 (TTN antisense RNA 1; plus strand), TTN (titin; minus strand). Cytogenetic location: 2q31.2.
Variant type: single nucleotide variant.
Coding change: c.51136+1G>A on transcript NM_001267550.2 (MANE Select); the canonical splice donor site of the intron after coding-DNA position 51136, G replaced by A.
Molecular consequence: splice donor variant.
Genome position (GRCh38, 1-based): chr2:178,610,992, C>T on the plus strand (G>A on the coding strand, the complement: TTN is on the minus strand). VCF-style: chr2-178610992-C-T. GRCh37 (hg19) VCF-style: chr2-179475719-C-T.
Other names: c.23941+1G>A (NM_003319.4); c.24517+1G>A (NM_133437.4); c.24316+1G>A (NM_133432.3); c.43432+1G>A (NM_133378.4); c.46213+1G>A (NM_001256850.1).
Identifiers: ClinVar variation 3756145 (VCV003756145.3).